The following is an entry in ClinVar:

NM_016138.5(COQ7):c.609C>G (p.Ile203Met)

Gene: COQ7 (coenzyme Q7, hydroxylase; plus strand). Cytogenetic location: 16p12.3.
Variant type: single nucleotide variant.
Coding change: c.609C>G on transcript NM_016138.5 (MANE Select); coding-DNA position 609, C replaced by G.
Protein change: p.Ile203Met; replaces isoleucine 203 with methionine.
Molecular consequence: missense variant. On other transcripts: non-coding transcript variant (3).
Genome position (GRCh38, 1-based): chr16:19,078,113, C>G. VCF-style: chr16-19078113-C-G. GRCh37 (hg19) VCF-style: chr16-19089435-C-G.
Other names: c.495C>G, p.Ile165Met (NM_001190983.2, NM_001370492.1, NM_001370493.1 and 1 more transcripts); c.567C>G, p.Ile189Met (NM_001370489.1); c.540C>G, p.Ile180Met (NM_001370490.1); c.498C>G, p.Ile166Met (NM_001370491.1); c.426C>G, p.Ile142Met (NM_001370495.1); short protein forms I142M, I189M, I203M, I165M, I180M, I166M.
Identifiers: ClinVar variation 2010625 (VCV002010625.4), dbSNP rs767035988, ClinGen allele CA7933094.

ClinVar aggregate classification (germline): Uncertain significance (1 of 4 stars; one submission).

Allele frequency attached by ClinVar (database versions not stated): gnomAD exomes 0.00001; ExAC 0.00002.

Submission:

Labcorp Genetics (formerly Invitae), Labcorp
Classification: Uncertain significance. Last evaluated: 2022-02-13. Review status: criteria provided, single submitter. Criteria: Invitae Variant Classification Sherloc (09022015). Collection method: clinical testing. Allele origin: germline.
Comment: This sequence change replaces isoleucine, which is neutral and non-polar, with methionine, which is neutral and non-polar, at codon 203 of the COQ7 protein (p.Ile203Met). This variant is present in population databases (rs767035988, gnomAD 0.01%). This variant has not been reported in the literature in individuals affected with COQ7-related conditions. Algorithms developed to predict the effect of missense changes on protein structure and function are either unavailable or do not agree on the potential impact of this missense change (SIFT: "Deleterious"; PolyPhen-2: "Probably Damaging"; Align-GVGD: "Class C0"). In summary, the available evidence is currently insufficient to determine the role of this variant in disease. Therefore, it has been classified as a Variant of Uncertain Significance.